The following is an entry in ClinVar:

NM_001253697.2(ERBIN):c.3869T>C (p.Leu1290Pro)

Gene: ERBIN (erbb2 interacting protein; plus strand). Cytogenetic location: 5q12.3.
Variant type: single nucleotide variant.
Coding change: c.3869T>C on transcript NM_001253697.2 (MANE Select); coding-DNA position 3869, T replaced by C.
Protein change: p.Leu1290Pro; replaces leucine 1290 with proline.
Molecular consequence: missense variant. On other transcripts: intron variant (1).
Genome position (GRCh38, 1-based): chr5:66,075,136, T>C. VCF-style: chr5-66075136-T-C. GRCh37 (hg19) VCF-style: chr5-65370964-T-C.
Other names: c.3746T>C, p.Leu1249Pro (NM_001253698.2, NM_018695.4); c.3890T>C, p.Leu1297Pro (NM_001253699.2); c.3734T>C, p.Leu1245Pro (NM_001253701.2); c.3634-1180T>C (NM_001006600.3); short protein forms L1245P, L1249P, L1297P, L1290P.
Identifiers: ClinVar variation 1435440 (VCV001435440.3), dbSNP rs912010395, ClinGen allele CA119877757.

ClinVar aggregate classification (germline): Uncertain significance (1 of 4 stars; one submission).

Allele frequency attached by ClinVar (database versions not stated): TOPMed below 0.00001; gnomAD exomes 0.00001.
gnomAD v4.1: 2 of 1,614,158 alleles (0.00012%); highest among the groups gnomAD compares: Admixed American, 0.0033%; no homozygotes.

Submission:

Labcorp Genetics (formerly Invitae), Labcorp
Classification: Uncertain significance. Last evaluated: 2022-07-27. Review status: criteria provided, single submitter. Criteria: Invitae Variant Classification Sherloc (09022015). Collection method: clinical testing. Allele origin: germline.
Comment: This sequence change replaces leucine, which is neutral and non-polar, with proline, which is neutral and non-polar, at codon 1290 of the ERBIN protein (p.Leu1290Pro). This variant is present in population databases (no rsID available, gnomAD 0.006%). This variant has not been reported in the literature in individuals affected with ERBIN-related conditions. ClinVar contains an entry for this variant (Variation ID: 1435440). Algorithms developed to predict the effect of missense changes on protein structure and function are either unavailable or do not agree on the potential impact of this missense change (SIFT: "Deleterious"; PolyPhen-2: "Probably Damaging"; Align-GVGD: "Class C0"). In summary, the available evidence is currently insufficient to determine the role of this variant in disease. Therefore, it has been classified as a Variant of Uncertain Significance.